The following is an entry in ClinVar:

NM_001042492.3(NF1):c.1792A>T (p.Lys598Ter)

Gene: NF1 (neurofibromin 1; plus strand). Cytogenetic location: 17q11.2.
Variant type: single nucleotide variant.
Coding change: c.1792A>T on transcript NM_001042492.3 (MANE Select); coding-DNA position 1792, A replaced by T.
Protein change: p.Lys598Ter; replaces lysine 598 with a stop codon.
Molecular consequence: nonsense.
Genome position (GRCh38, 1-based): chr17:31,223,514, A>T. VCF-style: chr17-31223514-A-T. GRCh37 (hg19) VCF-style: chr17-29550532-A-T.
Other names: c.1792A>T, p.Lys598Ter (NM_000267.4); short protein forms K598*.
Identifiers: ClinVar variation 1393340 (VCV001393340.6), dbSNP rs2144016542, ClinGen allele CA399004367.
Genomic context (GRCh38, chr17:31,223,514, plus strand): 5'-CTTTTTTACATCTGCAAGAAATTAACTAGTCATCAAATGCTTAGTAGCACAGAAATTCTC[A>T]AGTGGTTGCGGGAAATATTGATCTGCAGGAATAAATTTCTTCTTAAAAATAAGGTAAGCA-3'

ClinVar aggregate classification (germline): Pathogenic (1 of 4 stars; one submission).

Conditions:
Neurofibromatosis, type 1 (NF1). Also called: VON RECKLINGHAUSEN DISEASE; Neurofibromatosis, type I; NEUROFIBROMATOSIS, TYPE I, SOMATIC; Peripheral type neurofibromatosis. Identifiers: Orphanet 636, MedGen C0027831, MONDO:0018975, OMIM 162200. Disease mechanism: loss of function.

Submission:

Labcorp Genetics (formerly Invitae), Labcorp
Classification: Pathogenic for Neurofibromatosis, type 1. Last evaluated: 2023-02-07. Review status: criteria provided, single submitter. Criteria: Invitae Variant Classification Sherloc (09022015). Collection method: clinical testing. Allele origin: germline.
Comment: This sequence change creates a premature translational stop signal (p.Lys598*) in the NF1 gene. It is expected to result in an absent or disrupted protein product. Loss-of-function variants in NF1 are known to be pathogenic (PMID: 10712197, 23913538). For these reasons, this variant has been classified as Pathogenic. Algorithms developed to predict the effect of sequence changes on RNA splicing suggest that this variant may disrupt the consensus splice site. ClinVar contains an entry for this variant (Variation ID: 1393340). This variant has not been reported in the literature in individuals affected with NF1-related conditions. This variant is not present in population databases (gnomAD no frequency).

Literature cited by the submitters: PubMed 10712197; PubMed 23913538.